The following is an entry in ClinVar:

ClinVar aggregate classification (germline): Uncertain significance (1 of 4 stars; one submission).

Submission:

Ambry Genetics
Classification: Uncertain significance. Last evaluated: 2023-12-29. Review status: criteria provided, single submitter. Criteria: Ambry Variant Classification Scheme 2023. Collection method: clinical testing. Allele origin: germline.
Comment: The p.Q307E variant (also known as c.919C>G), located in coding exon 9 of the RAD54L gene, results from a C to G substitution at nucleotide position 919. The glutamine at codon 307 is replaced by glutamic acid, an amino acid with highly similar properties. This amino acid position is conserved. In addition, this alteration is predicted to be deleterious by in silico analysis. Since supporting evidence is limited at this time, the clinical significance of this alteration remains unclear.

NM_003579.4(RAD54L):c.919C>G (p.Gln307Glu)

Gene: RAD54L (RAD54 like; plus strand). Cytogenetic location: 1p34.1.
Variant type: single nucleotide variant.
Coding change: c.919C>G on transcript NM_003579.4 (MANE Select); coding-DNA position 919, C replaced by G.
Protein change: p.Gln307Glu; replaces glutamine 307 with glutamic acid.
Molecular consequence: missense variant.
Genome position (GRCh38, 1-based): chr1:46,267,486, C>G. VCF-style: chr1-46267486-C-G. GRCh37 (hg19) VCF-style: chr1-46733158-C-G.
Other names: c.919C>G, p.Gln307Glu (NM_001142548.2); c.379C>G, p.Gln127Glu (NM_001370766.1); short protein forms Q127E, Q307E.
Identifiers: ClinVar variation 3223471 (VCV003223471.1), dbSNP rs2525690479, ClinGen allele CA340192094.